The following is an entry in ClinVar:

ClinVar aggregate classification (germline): Pathogenic. Review status: criteria provided, multiple submitters, no conflicts (2 of 4 stars). 2 submissions from 2 submitters: Pathogenic (2). Last evaluated 2024-06-17.

Conditions:
RP1-related disorder. Also called: RP1-related condition.

Submissions (2):

Labcorp Genetics (formerly Invitae), Labcorp
Classification: Pathogenic. Last evaluated: 2024-06-17. Review status: criteria provided, single submitter. Criteria: Invitae Variant Classification Sherloc (09022015). Collection method: clinical testing. Allele origin: germline.
Comment: This sequence change creates a premature translational stop signal (p.Pro927Glnfs*3) in the RP1 gene. While this is not anticipated to result in nonsense mediated decay, it is expected to disrupt the last 1230 amino acid(s) of the RP1 protein. This variant is not present in population databases (gnomAD no frequency). This variant has not been reported in the literature in individuals affected with RP1-related conditions. ClinVar contains an entry for this variant (Variation ID: 1459636). This variant disrupts the C-terminus of the RP1 protein. Many variants that disrupt this region have been reported in individuals with either autosomal dominant or autosomal recessive retinitis pigmentosa (PMID: 11527933, 19933189, 29425069, 30027431, 33681214). Therefore, variants that disrupt this region are expected to be disease-causing. For these reasons, this variant has been classified as Pathogenic.

Blueprint Genetics
Classification: Pathogenic for RP1-related disorders. Last evaluated: 2024-05-24. Review status: criteria provided, single submitter. Criteria: ACMG Guidelines, 2015. Collection method: clinical testing. Allele origin: germline. Affected: yes. Observed: 3 variant alleles.

Literature cited by the submitters: PubMed 11527933 (cited by Labcorp Genetics (formerly Invitae), Labcorp); PubMed 19933189 (cited by Labcorp Genetics (formerly Invitae), Labcorp); PubMed 29425069 (cited by Labcorp Genetics (formerly Invitae), Labcorp); PubMed 30027431 (cited by Labcorp Genetics (formerly Invitae), Labcorp); PubMed 33681214 (cited by Labcorp Genetics (formerly Invitae), Labcorp).

NM_006269.2(RP1):c.2780del (p.Pro927fs)

Gene: RP1 (RP1 axonemal microtubule associated; plus strand). Cytogenetic location: 8q12.1.
Variant type: Deletion.
Coding change: c.2780del on transcript NM_006269.2 (MANE Select); coding-DNA position 2780, one base deleted (C; older notation c.2780delC).
Protein change: p.Pro927fs; shifts the reading frame from proline 927.
Molecular consequence: frameshift variant. On other transcripts: intron variant (1).
Genome position (GRCh38, 1-based): chr8:54,626,662, C deleted; the last of 2 consecutive C bases (chr8:54,626,661-54,626,662); deleting either gives the same sequence. VCF-style (leftmost placement, unchanged base first): chr8-54626660-TC-T. GRCh37 (hg19) VCF-style: chr8-55539220-TC-T.
Other names: c.787+4374del (NM_001375654.1); short protein forms P927fs.
Identifiers: ClinVar variation 1459636 (VCV001459636.9), dbSNP rs2129316850, ClinGen allele CA2573143172.